The following is an entry in ClinVar:

NM_002691.4(POLD1):c.1243-15G>T

Gene: POLD1 (DNA polymerase delta 1, catalytic subunit; plus strand). Cytogenetic location: 19q13.33.
Variant type: single nucleotide variant.
Coding change: c.1243-15G>T on transcript NM_002691.4 (MANE Select); 15 bases into the intron before coding-DNA position 1243, G replaced by T.
Molecular consequence: intron variant.
Genome position (GRCh38, 1-based): chr19:50,406,167, G>T. VCF-style: chr19-50406167-G-T. GRCh37 (hg19) VCF-style: chr19-50909424-G-T.
Other names: c.1243-15G>T (NM_001256849.1, NM_001308632.1, LRG_785t1 and 1 more transcripts).
Identifiers: ClinVar variation 513524 (VCV000513524.10), dbSNP rs3218763, ClinGen allele CA9596088.

ClinVar aggregate classification (germline): Benign/Likely benign. Review status: criteria provided, multiple submitters, no conflicts (2 of 4 stars). 4 submissions from 4 submitters: Benign (1); Likely benign (3). Last evaluated 2026-01-31.

Conditions:
POLD1-related polyposis and colorectal cancer syndrome (CRCS10). Also called: Colorectal cancer 10; COLORECTAL CANCER, SUSCEPTIBILITY TO, ON CHROMOSOME 19q; Colorectal cancer, susceptibility to, 10. Identifiers: Orphanet 220460, MedGen C2675481, MONDO:0012953, OMIM 612591.

Allele frequency attached by ClinVar (database versions not stated): gnomAD 0.00004 and 0.00005; TOPMed 0.00005; gnomAD exomes 0.00006 and 0.00012.
gnomAD v4.1: 42 of 1,609,750 alleles (0.0026%); highest among the groups gnomAD compares: Admixed American, 0.062%; 1 homozygote.

Submissions (4):

Labcorp Genetics (formerly Invitae), Labcorp
Classification: Benign for POLD1-related polyposis and colorectal cancer syndrome. Last evaluated: 2026-01-31. Review status: criteria provided, single submitter. Criteria: Invitae Variant Classification Sherloc (09022015). Collection method: clinical testing. Allele origin: germline.

Myriad Genetics, Inc.
Classification: Likely benign for POLD1-related polyposis and colorectal cancer syndrome. Last evaluated: 2025-02-05. Review status: criteria provided, single submitter. Criteria: Myriad Autosomal Dominant, Autosomal Recessive and X-Linked Classification Criteria (2023). Collection method: clinical testing. Allele origin: unknown.
Comment: This variant is considered likely benign. This variant is intronic and is not expected to impact mRNA splicing.

GeneDx
Classification: Likely benign. Last evaluated: 2017-11-15. Review status: criteria provided, single submitter. Criteria: GeneDx Variant Classification (06012015). Collection method: clinical testing. Allele origin: germline. Affected: yes.
Comment: This variant is considered likely benign or benign based on one or more of the following criteria: it is a conservative change, it occurs at a poorly conserved position in the protein, it is predicted to be benign by multiple in silico algorithms, and/or has population frequency not consistent with disease.

PreventionGenetics, part of Exact Sciences
Classification: Likely benign. Last evaluated: 2017-03-20. Review status: criteria provided, single submitter. Criteria: ACMG Guidelines, 2015. Collection method: clinical testing. Allele origin: germline.